The following is an entry in ClinVar:

ClinVar aggregate classification (germline): Uncertain significance (1 of 4 stars; one submission).

Allele frequency attached by ClinVar (database versions not stated): gnomAD exomes below 0.00001.

Submission:

Labcorp Genetics (formerly Invitae), Labcorp
Classification: Uncertain significance. Last evaluated: 2023-07-17. Review status: criteria provided, single submitter. Criteria: Invitae Variant Classification Sherloc (09022015). Collection method: clinical testing. Allele origin: germline.
Comment: This variant has not been reported in the literature in individuals affected with CLTC-related conditions. In summary, the available evidence is currently insufficient to determine the role of this variant in disease. Therefore, it has been classified as a Variant of Uncertain Significance. Advanced modeling of protein sequence and biophysical properties (such as structural, functional, and spatial information, amino acid conservation, physicochemical variation, residue mobility, and thermodynamic stability) performed at Invitae indicates that this missense variant is expected to disrupt CLTC protein function. ClinVar contains an entry for this variant (Variation ID: 1398498). This variant is not present in population databases (gnomAD no frequency). This sequence change replaces arginine, which is basic and polar, with tryptophan, which is neutral and slightly polar, at codon 225 of the CLTC protein (p.Arg225Trp).

NM_004859.4(CLTC):c.661C>T (p.Arg221Trp)

Gene: CLTC (clathrin heavy chain; plus strand). Cytogenetic location: 17q23.1.
Variant type: single nucleotide variant.
Coding change: c.661C>T on transcript NM_004859.4 (MANE Select); coding-DNA position 661, C replaced by T.
Protein change: p.Arg221Trp; replaces arginine 221 with tryptophan.
Molecular consequence: missense variant.
Genome position (GRCh38, 1-based): chr17:59,648,381, C>T. VCF-style: chr17-59648381-C-T. GRCh37 (hg19) VCF-style: chr17-57725742-C-T.
Other names: c.673C>T, p.Arg225Trp (NM_001288653.2); short protein forms R221W, R225W.
Identifiers: ClinVar variation 1398498 (VCV001398498.8), dbSNP rs2143508288, ClinGen allele CA400421950.
Genomic context (GRCh38, chr17:59,648,381, plus strand): 5'-TTTGCACAGTTTAAGATGGAAGGAAATGCAGAAGAATCAACGTTATTTTGTTTTGCAGTT[C>T]GGGGCCAAGCTGGAGGGAAGGTAAGTTTTGGCTTTGGTAATTATTTTAATGAGAACTTGT-3'
Protein context (NP_004850.1, residues 211-231): EESTLFCFAV[Arg221Trp]GQAGGKLHII